The following is an entry in ClinVar:

NM_002691.4(POLD1):c.2659C>A (p.Leu887Met)

Gene: POLD1 (DNA polymerase delta 1, catalytic subunit; plus strand). Cytogenetic location: 19q13.33.
Variant type: single nucleotide variant.
Coding change: c.2659C>A on transcript NM_002691.4 (MANE Select); coding-DNA position 2659, C replaced by A.
Protein change: p.Leu887Met; replaces leucine 887 with methionine.
Molecular consequence: missense variant. On other transcripts: non-coding transcript variant (1).
Genome position (GRCh38, 1-based): chr19:50,415,532, C>A. VCF-style: chr19-50415532-C-A. GRCh37 (hg19) VCF-style: chr19-50918789-C-A.
Other names: c.2659C>A, p.Leu887Met (NM_001256849.1); c.2737C>A, p.Leu913Met (NM_001308632.1); short protein forms L887M, L913M.
Identifiers: ClinVar variation 999814 (VCV000999814.12), dbSNP rs2039248127, ClinGen allele CA406985571.

ClinVar aggregate classification (germline): Uncertain significance. Review status: criteria provided, multiple submitters, no conflicts (2 of 4 stars). 2 submissions from 2 submitters: Uncertain significance (2). Last evaluated 2025-05-22.

Conditions:
POLD1-related polyposis and colorectal cancer syndrome (CRCS10). Also called: Colorectal cancer 10; COLORECTAL CANCER, SUSCEPTIBILITY TO, ON CHROMOSOME 19q; Colorectal cancer, susceptibility to, 10. Identifiers: Orphanet 220460, MedGen C2675481, MONDO:0012953, OMIM 612591.
Hereditary cancer-predisposing syndrome. Also called: Tumor predisposition; Hereditary Cancer Syndrome; Hereditary neoplastic syndrome; Neoplastic Syndromes, Hereditary. Identifiers: Orphanet 140162, MedGen C0027672, MeSH D009386, MONDO:0015356.

Allele frequency attached by ClinVar (database versions not stated): TOPMed below 0.00001.

Submissions (2):

Ambry Genetics
Classification: Uncertain significance for Hereditary cancer-predisposing syndrome. Last evaluated: 2025-05-22. Review status: criteria provided, single submitter. Criteria: Ambry Variant Classification Scheme 2023. Collection method: clinical testing. Allele origin: germline.
Comment: The p.L887M variant (also known as c.2659C>A), located in coding exon 20 of the POLD1 gene, results from a C to A substitution at nucleotide position 2659. The leucine at codon 887 is replaced by methionine, an amino acid with highly similar properties. This amino acid position is conserved. In addition, this alteration is predicted to be tolerated by in silico analysis. Based on the available evidence, the clinical significance of this variant remains unclear.

Labcorp Genetics (formerly Invitae), Labcorp
Classification: Uncertain significance for POLD1-related polyposis and colorectal cancer syndrome. Last evaluated: 2025-05-19. Review status: criteria provided, single submitter. Criteria: Invitae Variant Classification Sherloc (09022015). Collection method: clinical testing. Allele origin: germline.
Comment: This sequence change replaces leucine, which is neutral and non-polar, with methionine, which is neutral and non-polar, at codon 887 of the POLD1 protein (p.Leu887Met). This variant is not present in population databases (gnomAD no frequency). This variant has not been reported in the literature in individuals affected with POLD1-related conditions. ClinVar contains an entry for this variant (Variation ID: 999814). Invitae Evidence Modeling of protein sequence and biophysical properties (such as structural, functional, and spatial information, amino acid conservation, physicochemical variation, residue mobility, and thermodynamic stability) indicates that this missense variant is expected to disrupt POLD1 protein function with a positive predictive value of 80%. In summary, the available evidence is currently insufficient to determine the role of this variant in disease. Therefore, it has been classified as a Variant of Uncertain Significance.